The following is an entry in ClinVar:

ClinVar aggregate classification (germline): Uncertain significance (1 of 4 stars; one submission).

Conditions:
Gnathodiaphyseal dysplasia (GDD). Also called: GNATHODIAPHYSEAL SCLEROSIS; OSTEOGENESIS IMPERFECTA WITH UNUSUAL SKELETAL LESIONS. Identifiers: Orphanet 53697, MedGen C1833736, MONDO:0008151, OMIM 166260.
Autosomal recessive limb-girdle muscular dystrophy type 2L (LGMDR12). Also called: Limb-girdle muscular dystrophy, type 2L; MUSCULAR DYSTROPHY, LIMB-GIRDLE, AUTOSOMAL RECESSIVE 12; Limb-Girdle Muscular Dystrophy R12 Anoctamin-5-Related (LGMD-R12). Identifiers: Orphanet 206549, MedGen C1969785, MONDO:0012652, OMIM 611307.

Submission:

Labcorp Genetics (formerly Invitae), Labcorp
Classification: Uncertain significance for Autosomal recessive limb-girdle muscular dystrophy type 2L; Gnathodiaphyseal dysplasia. Last evaluated: 2023-08-25. Review status: criteria provided, single submitter. Criteria: Invitae Variant Classification Sherloc (09022015). Collection method: clinical testing. Allele origin: germline.
Comment: Information on the frequency of this variant in the gnomAD database is not available, as this variant may be reported differently in the database. In summary, the available evidence is currently insufficient to determine the role of this variant in disease. Therefore, it has been classified as a Variant of Uncertain Significance. An algorithm developed to predict the effect of missense changes on protein structure and function (PolyPhen-2) suggests that this variant is likely to be disruptive. This variant has not been reported in the literature in individuals affected with ANO5-related conditions. This sequence change replaces alanine, which is neutral and non-polar, with phenylalanine, which is neutral and non-polar, at codon 538 of the ANO5 protein (p.Ala538Phe).

NM_213599.3(ANO5):c.1612_1613delinsTT (p.Ala538Phe)

Gene: ANO5 (anoctamin 5; plus strand). Cytogenetic location: 11p14.3.
Variant type: Indel.
Coding change: c.1612_1613delinsTT on transcript NM_213599.3 (MANE Select); coding-DNA positions 1612 to 1613, GC replaced by TT.
Protein change: p.Ala538Phe; replaces alanine 538 with phenylalanine.
Molecular consequence: missense variant.
Genome position (GRCh38, 1-based): chr11:22,259,723-22,259,724, GC replaced by TT. VCF-style: chr11-22259723-GC-TT. GRCh37 (hg19) VCF-style: chr11-22281269-GC-TT.
Other names: c.1609_1610delinsTT, p.Ala537Phe (NM_001142649.2); c.1570_1571delinsTT, p.Ala524Phe (NM_001410963.1); c.1567_1568delinsTT, p.Ala523Phe (NM_001410964.1); short protein forms A523F, A524F, A537F, A538F.
Identifiers: ClinVar variation 2940440 (VCV002940440.3), dbSNP rs2494307444, ClinGen allele CA2740093655.